The following is an entry in ClinVar:

ClinVar aggregate classification (germline): Likely benign (0 of 4 stars; one submission).

Conditions:
PPARG-related disorder. Also called: PPARG-related disorders; PPARG-related condition.

Submission:

PreventionGenetics, part of Exact Sciences
Classification: Likely benign for PPARG-related condition. Last evaluated: 2023-05-11. Review status: no assertion criteria provided. Collection method: clinical testing. Allele origin: germline.
Comment: This variant is classified as likely benign based on ACMG/AMP sequence variant interpretation guidelines (Richards et al. 2015 PMID: 25741868, with internal and published modifications).

NM_138711.6(PPARG):c.408A>T (p.Thr136=)

Gene: PPARG (peroxisome proliferator activated receptor gamma; plus strand). Cytogenetic location: 3p25.2.
Variant type: single nucleotide variant.
Coding change: c.408A>T on transcript NM_138711.6 (MANE Select); coding-DNA position 408, A replaced by T.
Protein change: p.Thr136=; no amino-acid change (threonine 136 retained).
Molecular consequence: synonymous variant. On other transcripts: 5 prime UTR variant (1).
Genome position (GRCh38, 1-based): chr3:12,392,631, A>T. VCF-style: chr3-12392631-A-T. GRCh37 (hg19) VCF-style: chr3-12434130-A-T.
Other names: c.408A>T, p.Thr136= (NM_001330615.4, NM_001354666.3, NM_001354667.3 and 6 more transcripts); c.498A>T, p.Thr166= (NM_001354668.2, NM_001374265.1, NM_015869.5); c.-20A>T (NM_001354669.2); c.414A>T, p.Thr138= (NM_001354670.2, NM_001374266.1).
Identifiers: ClinVar variation 3356072 (VCV003356072.1).